The following is an entry in ClinVar:

ClinVar aggregate classification (germline): Likely benign (1 of 4 stars; one submission).

Submission:

GeneDx
Classification: Likely benign. Last evaluated: 2017-02-24. Review status: criteria provided, single submitter. Criteria: GeneDx Variant Classification (06012015). Collection method: clinical testing. Allele origin: germline. Affected: yes.
Comment: This variant is considered likely benign or benign based on one or more of the following criteria: it is a conservative change, it occurs at a poorly conserved position in the protein, it is predicted to be benign by multiple in silico algorithms, and/or has population frequency not consistent with disease.

NM_001256849.1(POLD1):c.-51G>C

Genes: POLD1 (DNA polymerase delta 1, catalytic subunit; plus strand), LOC130064984 (ATAC-STARR-seq lymphoblastoid silent region 10961; plus strand). Cytogenetic location: 19q13.33.
Variant type: single nucleotide variant.
Coding change: c.-51G>C on transcript NM_001256849.1; 51 bases upstream of the start codon, G replaced by C.
Molecular consequence: 5 prime UTR variant.
Genome position (GRCh38, 1-based): chr19:50,384,344, G>C. VCF-style: chr19-50384344-G-C. GRCh37 (hg19) VCF-style: chr19-50887601-G-C.
Identifiers: ClinVar variation 507762 (VCV000507762.3), dbSNP rs576035899, ClinGen allele CA309605976.
Genomic context (GRCh38, chr19:50,384,344, plus strand): 5'-AGGCGGGGGCGTGGCCCGTCTCTGAGCGCCGCGGCTCTGGGCTTGCGCGCGCGGGAGTCA[G>C]GGGTCACGGCGGCGTAGGCTGTGGCGGGAAACGCTGTTTGAAGCGGGTGAGTAGAGGGGA-3'